The following is an entry in ClinVar:

ClinVar aggregate classification (germline): Uncertain significance. Review status: criteria provided, multiple submitters, no conflicts (2 of 4 stars). 3 submissions from 3 submitters: Uncertain significance (2). 1 of the submissions does not count toward it. Last evaluated 2022-08-21.

Conditions:
Glutaric acidemia type 2A.
Multiple acyl-CoA dehydrogenase deficiency (MADD). Also called: ETHYLMALONIC-ADIPICACIDURIA; GA II; Glutaric aciduria, type 2; Glutaric acidemia type II; GA 2; Glutaric Acidemia type 2. Identifiers: Orphanet 26791, MedGen C0268596, MONDO:0009282, OMIM 231680.

Allele frequency attached by ClinVar (database versions not stated): gnomAD exomes 0.00001 and 0.00003; ExAC 0.00003; TOPMed 0.00011; gnomAD 0.00012 and 0.00013; 1000 Genomes Project 30x 0.00016; 1000 Genomes Project 0.00020.
gnomAD v4.1: 40 of 1,611,650 alleles (0.0025%); highest among the groups gnomAD compares: African/African-American, 0.047%; no homozygotes.

Submissions (3):

Labcorp Genetics (formerly Invitae), Labcorp
Classification: Uncertain significance for Multiple acyl-CoA dehydrogenase deficiency. Last evaluated: 2022-08-21. Review status: criteria provided, single submitter. Criteria: Invitae Variant Classification Sherloc (09022015). Collection method: clinical testing. Allele origin: germline.
Comment: This sequence change replaces alanine, which is neutral and non-polar, with serine, which is neutral and polar, at codon 311 of the ETFA protein (p.Ala311Ser). This variant is present in population databases (rs372591001, gnomAD 0.05%). This variant has not been reported in the literature in individuals affected with ETFA-related conditions. ClinVar contains an entry for this variant (Variation ID: 451737). Algorithms developed to predict the effect of missense changes on protein structure and function (SIFT, PolyPhen-2, Align-GVGD) all suggest that this variant is likely to be disruptive. In summary, the available evidence is currently insufficient to determine the role of this variant in disease. Therefore, it has been classified as a Variant of Uncertain Significance.

GeneDx
Classification: Uncertain significance. Last evaluated: 2017-08-29. Review status: criteria provided, single submitter. Criteria: GeneDx Variant Classification (06012015). Collection method: clinical testing. Allele origin: germline. Affected: yes.
Comment: The A311S variant has not been published as a pathogenic variant, nor has it been reported as a benign variant to our knowledge. The A311S variant is not observed in large population cohorts (Lek et al., 2016; 1000 Genomes Consortium et al., 2015; Exome Variant Server). The A311S variant is a non-conservative amino acid substitution, which is likely to impact secondary protein structure as these residues differ in polarity, charge, size and/or other properties. This substitution occurs at a position that is conserved across species. In silico analysis is inconsistent in its predictions as to whether or not the variant is damaging to the protein structure/function. In summary, based on the currently available information, it is unclear whether this variant is a pathogenic variant or a rare benign variant.

Natera, Inc.
Classification: Uncertain significance for Glutaric acidemia type 2A. Last evaluated: 2020-07-13. Review status: no assertion criteria provided. Collection method: clinical testing. Allele origin: germline. Not counted in ClinVar's aggregate classification.

NM_000126.4(ETFA):c.931G>T (p.Ala311Ser)

Gene: ETFA (electron transfer flavoprotein subunit alpha; minus strand). Cytogenetic location: 15q24.2.
Variant type: single nucleotide variant.
Coding change: c.931G>T on transcript NM_000126.4 (MANE Select); coding-DNA position 931, G replaced by T.
Protein change: p.Ala311Ser; replaces alanine 311 with serine.
Molecular consequence: missense variant.
Genome position (GRCh38, 1-based): chr15:76,225,881, C>A on the plus strand (G>T on the coding strand, the complement: ETFA is on the minus strand). VCF-style: chr15-76225881-C-A. GRCh37 (hg19) VCF-style: chr15-76518222-C-A.
Other names: c.784G>T, p.Ala262Ser (NM_001127716.2); short protein forms A311S, A262S.
Identifiers: ClinVar variation 451737 (VCV000451737.4), dbSNP rs372591001, ClinGen allele CA7673556.